The following is an entry in ClinVar:

ClinVar aggregate classification (germline): Uncertain significance (1 of 4 stars; one submission).

Conditions:
Familial hemophagocytic lymphohistiocytosis 4 (FHL4). Also called: STX11-Related Familial Hemophagocytic Lymphohistiocytosis (STX11-fHLH). Identifiers: Orphanet 540, MedGen C1863728, MONDO:0011336, OMIM 603552.

Submission:

Labcorp Genetics (formerly Invitae), Labcorp
Classification: Uncertain significance for Familial hemophagocytic lymphohistiocytosis 4. Last evaluated: 2022-07-22. Review status: criteria provided, single submitter. Criteria: Invitae Variant Classification Sherloc (09022015). Collection method: clinical testing. Allele origin: germline.
Comment: This sequence change replaces histidine, which is basic and polar, with arginine, which is basic and polar, at codon 211 of the STX11 protein (p.His211Arg). This variant is not present in population databases (gnomAD no frequency). This variant has not been reported in the literature in individuals affected with STX11-related conditions. Algorithms developed to predict the effect of missense changes on protein structure and function are either unavailable or do not agree on the potential impact of this missense change (SIFT: "Deleterious"; PolyPhen-2: "Probably Damaging"; Align-GVGD: "Class C0"). In summary, the available evidence is currently insufficient to determine the role of this variant in disease. Therefore, it has been classified as a Variant of Uncertain Significance.

NM_003764.4(STX11):c.632A>G (p.His211Arg)

Gene: STX11 (syntaxin 11; plus strand). Cytogenetic location: 6q24.2.
Variant type: single nucleotide variant.
Coding change: c.632A>G on transcript NM_003764.4 (MANE Select); coding-DNA position 632, A replaced by G.
Protein change: p.His211Arg; replaces histidine 211 with arginine.
Molecular consequence: missense variant.
Genome position (GRCh38, 1-based): chr6:144,187,259, A>G. VCF-style: chr6-144187259-A-G. GRCh37 (hg19) VCF-style: chr6-144508396-A-G.
Other names: short protein forms H211R.
Identifiers: ClinVar variation 1722248 (VCV001722248.3), dbSNP rs540065111, ClinGen allele CA365949665.